The following is an entry in ClinVar:

ClinVar aggregate classification (germline): Uncertain significance (1 of 4 stars; one submission).

gnomAD v4.1: 13 of 1,614,084 alleles (0.00081%); highest among the groups gnomAD compares: South Asian, 0.0022%; no homozygotes.

Submission:

Labcorp Genetics (formerly Invitae), Labcorp
Classification: Uncertain significance. Last evaluated: 2026-01-20. Review status: criteria provided, single submitter. Criteria: Invitae Variant Classification Sherloc (09022015). Collection method: clinical testing. Allele origin: germline.
Comment: This sequence change replaces asparagine, which is neutral and polar, with serine, which is neutral and polar, at codon 207 of the LIPC protein (p.Asn207Ser). This variant is present in population databases (rs777626514, gnomAD 0.003%). This missense change has been observed in individual(s) with dyslipidemia (PMID: 36325899). Invitae Evidence Modeling of protein sequence and biophysical properties (such as structural, functional, and spatial information, amino acid conservation, physicochemical variation, residue mobility, and thermodynamic stability) indicates that this missense variant is not expected to disrupt LIPC protein function with a negative predictive value of 80%. In summary, the available evidence is currently insufficient to determine the role of this variant in disease. Therefore, it has been classified as a Variant of Uncertain Significance.

Literature cited by the submitters: PubMed 36325899.

NM_000236.3(LIPC):c.620A>G (p.Asn207Ser)

Gene: LIPC (lipase C, hepatic type; plus strand). Cytogenetic location: 15q21.3.
Variant type: single nucleotide variant.
Coding change: c.620A>G on transcript NM_000236.3 (MANE Select); coding-DNA position 620, A replaced by G.
Protein change: p.Asn207Ser; replaces asparagine 207 with serine.
Molecular consequence: missense variant.
Genome position (GRCh38, 1-based): chr15:58,545,787, A>G. VCF-style: chr15-58545787-A-G. GRCh37 (hg19) VCF-style: chr15-58837986-A-G.
Other names: short protein forms N207S.
Identifiers: ClinVar variation 4700599 (VCV004700599.1).
Genomic context (GRCh38, chr15:58,545,787, plus strand): 5'-CTGCTTTCCCATTAGGGCTGGATGCCGCGGGACCTTTGTTTGAGGGAAGTGCCCCCAGCA[A>G]TCGTCTTTCTCCAGATGATGCCAATTTTGTGGATGCCATTCATACCTTTACCCGGGAGCA-3'
Protein context (NP_000227.2, residues 197-217): GPLFEGSAPS[Asn207Ser]RLSPDDANFV